The following is an entry in ClinVar:

NM_004370.6(COL12A1):c.1150C>T (p.Pro384Ser)

Gene: COL12A1 (collagen type XII alpha 1 chain; minus strand). Cytogenetic location: 6q13.
Variant type: single nucleotide variant.
Coding change: c.1150C>T on transcript NM_004370.6 (MANE Select); coding-DNA position 1150, C replaced by T.
Protein change: p.Pro384Ser; replaces proline 384 with serine.
Molecular consequence: missense variant. On other transcripts: intron variant (1).
Genome position (GRCh38, 1-based): chr6:75,183,992, G>A on the plus strand (C>T on the coding strand, the complement: COL12A1 is on the minus strand). VCF-style: chr6-75183992-G-A. GRCh37 (hg19) VCF-style: chr6-75893708-G-A.
Other names: c.73+18728C>T (NM_080645.3); short protein forms P384S.
Identifiers: ClinVar variation 935074 (VCV000935074.13), dbSNP rs370952607, ClinGen allele CA3894257.

ClinVar aggregate classification (germline): Conflicting classifications of pathogenicity. Review status: criteria provided, conflicting classifications (1 of 4 stars). 3 submissions from 3 submitters: Uncertain significance (2); Likely benign (1). Last evaluated 2025-11-23.

Conditions:
Ullrich congenital muscular dystrophy 2 (UCMD2). Identifiers: Orphanet 75840, MedGen C4225314, MONDO:0014654, OMIM 616470.
Bethlem myopathy 2 (BTHLM2). Identifiers: Orphanet 536516, Orphanet 610, MedGen C4225313, MONDO:0034022, OMIM 616471.

Allele frequency attached by ClinVar (database versions not stated): gnomAD 0.00001; gnomAD exomes 0.00003 and 0.00004; ExAC 0.00004; ESP Exome Variant Server 0.00008.
gnomAD v4.1: 49 of 1,614,050 alleles (0.003%); highest among the groups gnomAD compares: South Asian, 0.021%; no homozygotes.

Submissions (3):

Labcorp Genetics (formerly Invitae), Labcorp
Classification: Likely benign for Bethlem myopathy 2; Ullrich congenital muscular dystrophy 2. Last evaluated: 2025-11-23. Review status: criteria provided, single submitter. Criteria: Invitae Variant Classification Sherloc (09022015). Collection method: clinical testing. Allele origin: germline.

Revvity Omics, Revvity
Classification: Uncertain significance. Last evaluated: 2023-03-15. Review status: criteria provided, single submitter. Criteria: ACMG Guidelines, 2015. Collection method: clinical testing. Allele origin: germline.

GeneDx
Classification: Uncertain significance. Last evaluated: 2020-02-19. Review status: criteria provided, single submitter. Criteria: GeneDx Variant Classification Process June 2021. Collection method: clinical testing. Allele origin: germline. Affected: yes.
Comment: In silico analysis supports that this missense variant does not alter protein structure/function; Has not been previously published as pathogenic or benign to our knowledge